The following is an entry in ClinVar:

NM_000081.4(LYST):c.4479del (p.Gly1494fs)

Gene: LYST (lysosomal trafficking regulator; minus strand). Cytogenetic location: 1q42.3.
Variant type: Deletion.
Coding change: c.4479del on transcript NM_000081.4 (MANE Select); coding-DNA position 4479, one base deleted (A; older notation c.4479delA).
Protein change: p.Gly1494fs; shifts the reading frame from glycine 1494.
Molecular consequence: frameshift variant.
Genome position (GRCh38, 1-based): chr1:235,791,763, T deleted on the plus strand (A on the coding strand, the reverse complement: LYST is on the minus strand); the first of 5 consecutive T bases (chr1:235,791,763-235,791,767); deleting any one gives the same sequence. VCF-style (leftmost placement, unchanged base first): chr1-235791762-CT-C. GRCh37 (hg19) VCF-style: chr1-235955062-CT-C.
Other names: c.4479del, p.Gly1494fs (NM_001301365.1); short protein forms G1494fs.
Identifiers: ClinVar variation 2864340 (VCV002864340.3), dbSNP rs2526907455, ClinGen allele CA2651125566.

ClinVar aggregate classification (germline): Pathogenic (1 of 4 stars; one submission).

Conditions:
Chédiak-Higashi syndrome (CHS). Also called: Chediak-Higashi Syndrome. Identifiers: Orphanet 167, MedGen C0007965, MONDO:0008963, OMIM 214500.

Submission:

Labcorp Genetics (formerly Invitae), Labcorp
Classification: Pathogenic for Chédiak-Higashi syndrome. Last evaluated: 2023-05-15. Review status: criteria provided, single submitter. Criteria: Invitae Variant Classification Sherloc (09022015). Collection method: clinical testing. Allele origin: germline.
Comment: This sequence change creates a premature translational stop signal (p.Gly1494Glufs*4) in the LYST gene. It is expected to result in an absent or disrupted protein product. Loss-of-function variants in LYST are known to be pathogenic (PMID: 9215679, 11857544). For these reasons, this variant has been classified as Pathogenic. This variant has not been reported in the literature in individuals affected with LYST-related conditions. This variant is not present in population databases (gnomAD no frequency).

Literature cited by the submitters: PubMed 9215679; PubMed 11857544.